The following is an entry in ClinVar:

ClinVar aggregate classification (germline): Uncertain significance (1 of 4 stars; one submission).

Conditions:
Neuropathy, hereditary sensory, type 2C. Also called: KIF1A-Related HSAN2 (HSAN2C); Hereditary sensory and autonomic neuropathy type IIC. Identifiers: Orphanet 970, MedGen C3280168, MONDO:0013634, OMIM 614213.
Intellectual disability, autosomal dominant 9 (NESCAVS). Also called: NESCAV SYNDROME; KIF1A-Related Neurodevelopmental Disorder. Identifiers: Orphanet 662367, MedGen C5393830, MONDO:0013656, OMIM 614255.
Hereditary spastic paraplegia 30. Identifiers: Orphanet 101010, MedGen C5235139, MONDO:0012476.

Allele frequency attached by ClinVar (database versions not stated): gnomAD exomes 0.00001; ESP Exome Variant Server 0.00008.
gnomAD v4.1: 3 of 1,600,294 alleles (0.00019%); highest among the groups gnomAD compares: Non-Finnish European, 0.00026%; no homozygotes.

Submission:

Labcorp Genetics (formerly Invitae), Labcorp
Classification: Uncertain significance for Hereditary spastic paraplegia 30; Neuropathy, hereditary sensory, type 2C; Intellectual disability, autosomal dominant 9. Last evaluated: 2025-09-21. Review status: criteria provided, single submitter. Criteria: Invitae Variant Classification Sherloc (09022015). Collection method: clinical testing. Allele origin: germline.
Comment: This sequence change replaces arginine, which is basic and polar, with leucine, which is neutral and non-polar, at codon 778 of the KIF1A protein (p.Arg778Leu). This variant is not present in population databases (gnomAD no frequency). This variant has not been reported in the literature in individuals affected with KIF1A-related conditions. ClinVar contains an entry for this variant (Variation ID: 654028). Invitae Evidence Modeling of protein sequence and biophysical properties (such as structural, functional, and spatial information, amino acid conservation, physicochemical variation, residue mobility, and thermodynamic stability) has been performed for this missense variant. However, the output from this modeling did not meet the statistical confidence thresholds required to predict the impact of this variant on KIF1A protein function. In summary, the available evidence is currently insufficient to determine the role of this variant in disease. Therefore, it has been classified as a Variant of Uncertain Significance.

NM_001244008.2(KIF1A):c.2360G>T (p.Arg787Leu)

Gene: KIF1A (kinesin family member 1A; minus strand). Cytogenetic location: 2q37.3.
Variant type: single nucleotide variant.
Coding change: c.2360G>T on transcript NM_001244008.2 (MANE Select); coding-DNA position 2360, G replaced by T.
Protein change: p.Arg787Leu; replaces arginine 787 with leucine.
Molecular consequence: missense variant.
Genome position (GRCh38, 1-based): chr2:240,760,749, C>A on the plus strand (G>T on the coding strand, the complement: KIF1A is on the minus strand). VCF-style: chr2-240760749-C-A. GRCh37 (hg19) VCF-style: chr2-241700166-C-A.
Other names: c.2360G>T, p.Arg787Leu (NM_001320705.2, NM_001330289.2, NM_001379638.1); c.2435G>T, p.Arg812Leu (NM_001330290.2, NM_001379631.1, NM_001379634.1 and 2 more transcripts); c.2333G>T, p.Arg778Leu (NM_001379632.1, NM_001379633.1, NM_001379636.1 and 10 more transcripts); c.2408G>T, p.Arg803Leu (NM_001379637.1, NM_001379648.1); short protein forms R778L, R812L, R787L, R803L.
Identifiers: ClinVar variation 654028 (VCV000654028.9), dbSNP rs372487596, ClinGen allele CA68172039.